The following is an entry in ClinVar:

ClinVar aggregate classification (germline): Conflicting classifications of pathogenicity. Review status: criteria provided, conflicting classifications (1 of 4 stars). 10 submissions from 10 submitters: Uncertain significance (6); Likely benign (3). 1 of the submissions does not count toward it. Last evaluated 2025-08-27.

Conditions:
Familial cancer of breast. Also called: Hereditary breast cancer; hereditary breast carcinoma; BREAST CANCER, FAMILIAL. Identifiers: Orphanet 227535, MedGen C0346153, MONDO:0016419, OMIM 114480. Disease mechanism: loss of function.
Breast-ovarian cancer, familial, susceptibility to, 2 (BROVCA2). Also called: BRCA2 Hereditary Breast and Ovarian Cancer. Identifiers: Orphanet 145, MedGen C2675520, MONDO:0012933, OMIM 612555. Disease mechanism: loss of function.
Wilms tumor 1 (WT1). Also called: Wilms tumor, somatic. Identifiers: Orphanet 654, MedGen CN033288, MONDO:0008679, OMIM 194070.
Pancreatic cancer, susceptibility to, 2. Identifiers: Orphanet 1333, MedGen C3150546, MONDO:0013235, OMIM 613347.
Glioma susceptibility 3 (GLM3). Also called: Glioblastoma 3. Identifiers: Orphanet 182067, Orphanet 360, MedGen C2751641, MONDO:0013093, OMIM 613029.
Familial prostate cancer. Also called: Hereditary Prostate Cancer. Identifiers: MedGen C2931456, MONDO:0700275, OMIM 176807.
Fanconi anemia complementation group D1. Also called: BRCA2-Related Fanconi Anemia. Identifiers: Orphanet 319462, MedGen C1838457, MONDO:0011584, OMIM 605724.
Medulloblastoma (MDB). Also called: MEDULLOBLASTOMA PREDISPOSITION SYNDROME; Medulloblastoma, somatic. Identifiers: Orphanet 616, MedGen C0025149, MeSH D008527, MONDO:0007959, OMIM 155255, HP:0002885.
BRCA2-related cancer predisposition. Identifiers: MedGen CN377758, MONDO:0700269.
Hereditary cancer-predisposing syndrome. Also called: Hereditary Cancer Syndrome; Neoplastic Syndromes, Hereditary; Tumor predisposition; Hereditary neoplastic syndrome. Identifiers: Orphanet 140162, MedGen C0027672, MeSH D009386, MONDO:0015356.
Hereditary breast ovarian cancer syndrome. Also called: Hereditary breast and ovarian cancer; Hereditary breast and ovarian cancer syndrome (HBOC); Hereditary breast and/or ovarian cancer syndrome; Hereditary breast and ovarian cancer syndrome; Breast and ovarian cancer; BRCA1- and BRCA2-Associated Hereditary Breast and Ovarian Cancer. Identifiers: Orphanet 145, MedGen C0677776, MeSH D061325, MONDO:0003582. Disease mechanism: loss of function.

Allele frequency attached by ClinVar (database versions not stated): gnomAD exomes below 0.00001 and 0.00001.
gnomAD v4.1: 4 of 1,610,486 alleles (0.00025%); highest among the groups gnomAD compares: Middle Eastern, 0.033%; no homozygotes.

Submissions (10):

Labcorp Genetics (formerly Invitae), Labcorp
Classification: Likely benign for Hereditary breast ovarian cancer syndrome. Last evaluated: 2025-08-27. Review status: criteria provided, single submitter. Criteria: Invitae Variant Classification Sherloc (09022015). Collection method: clinical testing. Allele origin: germline.

Quest Diagnostics Nichols Institute San Juan Capistrano
Classification: Uncertain significance. Last evaluated: 2025-02-05. Review status: criteria provided, single submitter. Criteria: Quest Diagnostics criteria. Collection method: clinical testing. Allele origin: unknown.
Comment: The BRCA2 c.1259A>G (p.Asp420Gly) variant has been reported in the published literature in individuals suspected of having hereditary breast and/or ovarian cancer syndrome (PMID: 32438681 (2020), 31851867 (2020), 20960228 (2011)) and described to be located in a region of the BRCA2 gene that is tolerant to missense sequence changes (PMID: 31911673 (2020)). The frequency of this variant in the general population (Genome Aggregation Database) is uninformative in the assessment of its pathogenicity. Analysis of this variant using bioinformatics tools for the prediction of the effect of amino acid changes on protein structure and function yielded predictions that this variant is benign. Based on the available information, we are unable to determine the clinical significance of this variant.

Blueprint Genetics
Classification: Likely benign. Last evaluated: 2024-03-14. Review status: criteria provided, single submitter. Criteria: ACMG Guidelines, 2015. Collection method: clinical testing. Allele origin: germline.

Ambry Genetics
Classification: Uncertain significance for Hereditary cancer-predisposing syndrome. Last evaluated: 2024-03-05. Review status: criteria provided, single submitter. Criteria: Ambry Variant Classification Scheme 2023. Collection method: clinical testing. Allele origin: germline.
Comment: The p.D420G variant (also known as c.1259A>G), located in coding exon 9 of the BRCA2 gene, results from an A to G substitution at nucleotide position 1259. The aspartic acid at codon 420 is replaced by glycine, an amino acid with similar properties. This variant was detected in a non-Ashkenazi Jewish high risk breast/ovarian cancer family from Israel (Laitman Y et al. Breast Cancer Res Treat, 2011 Jun;127:489-95). This variant was also detected in 1/2351 Italian breast and/or ovarian cancer patients (Santonocito C et al. Cancers (Basel), 2020 May;12) and in 1/113 women reported as high risk for hereditary breast cancer (Peker Ey&uuml;bolu et al. OMICS. 2020 Jan;24(1):5-15). This amino acid position is not well conserved in available vertebrate species. In addition, this alteration is predicted to be tolerated by in silico analysis. Based on the available evidence, the clinical significance of this alteration remains unclear.

Fulgent Genetics
Classification: Uncertain significance for Familial cancer of breast; Medulloblastoma; Familial prostate cancer; Wilms tumor 1; Fanconi anemia complementation group D1; Breast-ovarian cancer, familial, susceptibility to, 2; Glioma susceptibility 3; Pancreatic cancer, susceptibility to, 2. Last evaluated: 2024-02-22. Review status: criteria provided, single submitter. Criteria: ACMG Guidelines, 2015. Collection method: clinical testing. Allele origin: germline.

All of Us Research Program, National Institutes of Health
Classification: Uncertain significance for Breast-ovarian cancer, familial, susceptibility to, 2. Last evaluated: 2023-11-20. Review status: criteria provided, single submitter. Criteria: ACMG Guidelines, 2015. Collection method: clinical testing. Allele origin: germline. Inheritance: Autosomal dominant inheritance. Observed: 2 variant alleles, 2 heterozygotes.
Comment: This missense variant replaces aspartic acid with glycine at codon 420 of the BRCA2 protein. Computational prediction suggests that this variant may not impact protein structure and function (internally defined REVEL score threshold <= 0.5, PMID: 27666373). To our knowledge, functional studies have not been performed for this variant. This variant has been reported in individuals and families affected with breast or ovarian cancer (PMID: 20960228, 31851867, 32438681). This variant has been identified in 3/246168 chromosomes in the general population by the Genome Aggregation Database (gnomAD). Although the available evidence suggests that this variant is unlikely to be disease-causing, additional studies are necessary to determine the role of this variant in disease conclusively. Therefore, this variant is classified as a Variant of Uncertain Significance.

This study involves interpretation of variants in research participants for the purpose of population health screening. Participant phenotype was not available at the time of variant classification. Additional details can be found in publication PMID: 35346344, PMCID: PMC8962531

Color Diagnostics, LLC DBA Color Health
Classification: Uncertain significance for Hereditary cancer-predisposing syndrome. Last evaluated: 2023-11-01. Review status: criteria provided, single submitter. Criteria: ACMG Guidelines, 2015. Collection method: clinical testing. Allele origin: germline.
Comment: This missense variant replaces aspartic acid with glycine at codon 420 of the BRCA2 protein. Computational prediction suggests that this variant may not impact protein structure and function (internally defined REVEL score threshold <= 0.5, PMID: 27666373). To our knowledge, functional studies have not been performed for this variant. This variant has been reported in individuals and families affected with breast or ovarian cancer (PMID: 20960228, 31851867, 32438681). This variant has been identified in 3/246168 chromosomes in the general population by the Genome Aggregation Database (gnomAD). Although the available evidence suggests that this variant is unlikely to be disease-causing, additional studies are necessary to determine the role of this variant in disease conclusively. Therefore, this variant is classified as a Variant of Uncertain Significance.

University of Washington Department of Laboratory Medicine, University of Washington
Classification: Likely benign for Hereditary cancer-predisposing syndrome. Last evaluated: 2023-03-23. Review status: criteria provided, single submitter. Criteria: Dines et al. (Genet Med. 2020). Collection method: curation. Allele origin: germline.
Comment: Missense variant in a coldspot region where missense variants are very unlikely to be pathogenic (PMID:31911673).

BRCA2 exon 10 coldspot. Reclassification based on statistical prior probability.

Department of Pathology and Laboratory Medicine, Sinai Health System
Classification: Uncertain significance for BRCA2-related cancer predisposition. Last evaluated: 2023-01-31. Review status: criteria provided, single submitter. Criteria: ACMG Guidelines, 2015. Collection method: clinical testing. Allele origin: germline.

Counsyl
Classification: Uncertain significance for Breast-ovarian cancer, familial, susceptibility to, 2. Last evaluated: 2017-11-27. Review status: no assertion criteria provided. Collection method: clinical testing. Allele origin: unknown. Not counted in ClinVar's aggregate classification.

Literature cited by the submitters: PubMed 31911673 (cited by Quest Diagnostics Nichols Institute San Juan Capistrano); PubMed 31851867 (cited by 4 submitters); PubMed 20960228 (cited by 6 submitters); PubMed 32438681 (cited by 5 submitters).

NM_000059.4(BRCA2):c.1259A>G (p.Asp420Gly)

Gene: BRCA2 (BRCA2 DNA repair associated; plus strand). Cytogenetic location: 13q13.1.
Variant type: single nucleotide variant.
Coding change: c.1259A>G on transcript NM_000059.4 (MANE Select); coding-DNA position 1259, A replaced by G.
Protein change: p.Asp420Gly; replaces aspartic acid 420 with glycine.
Molecular consequence: missense variant.
Genome position (GRCh38, 1-based): chr13:32,332,737, A>G. VCF-style: chr13-32332737-A-G. GRCh37 (hg19) VCF-style: chr13-32906874-A-G.
Other names: short protein forms D420G.
Identifiers: ClinVar variation 184739 (VCV000184739.31), dbSNP rs786201654, ClinGen allele CA011352.